The following is an entry in ClinVar:

ClinVar aggregate classification (germline): Uncertain significance. Review status: criteria provided, multiple submitters, no conflicts (2 of 4 stars). 2 submissions from 2 submitters: Uncertain significance (2). Last evaluated 2023-08-14.

Conditions:
Primary ciliary dyskinesia. Also called: Ciliary dyskinesia. Identifiers: Orphanet 244, MedGen C0008780, MONDO:0016575, HP:0012265.

Allele frequency attached by ClinVar (database versions not stated): ExAC 0.00003; TOPMed 0.00003; gnomAD exomes 0.00004 and 0.00009; gnomAD 0.00005.
gnomAD v4.1: 140 of 1,610,928 alleles (0.0087%); highest among the groups gnomAD compares: Non-Finnish European, 0.011%; no homozygotes.

Submissions (2):

Ambry Genetics
Classification: Uncertain significance. Last evaluated: 2023-08-14. Review status: criteria provided, single submitter. Criteria: Ambry Variant Classification Scheme 2023. Collection method: clinical testing. Allele origin: germline.

Labcorp Genetics (formerly Invitae), Labcorp
Classification: Uncertain significance for Primary ciliary dyskinesia. Last evaluated: 2020-09-17. Review status: criteria provided, single submitter. Criteria: Invitae Variant Classification Sherloc (09022015). Collection method: clinical testing. Allele origin: germline.
Comment: In summary, the available evidence is currently insufficient to determine the role of this variant in disease. Therefore, it has been classified as a Variant of Uncertain Significance. Algorithms developed to predict the effect of missense changes on protein structure and function are either unavailable or do not agree on the potential impact of this missense change (SIFT: "Deleterious"; PolyPhen-2: "Not Available"; Align-GVGD: "Class C0"). This variant has not been reported in the literature in individuals with DNAH8-related conditions. This variant is present in population databases (rs746906348, ExAC 0.006%). This sequence change replaces glutamine with arginine at codon 801 of the DNAH8 protein (p.Gln801Arg). The glutamine residue is moderately conserved and there is a small physicochemical difference between glutamine and arginine.

NM_001206927.2(DNAH8):c.2402A>G (p.Gln801Arg)

Gene: DNAH8 (dynein axonemal heavy chain 8; plus strand). Cytogenetic location: 6p21.2.
Variant type: single nucleotide variant.
Coding change: c.2402A>G on transcript NM_001206927.2 (MANE Select); coding-DNA position 2402, A replaced by G.
Protein change: p.Gln801Arg; replaces glutamine 801 with arginine.
Molecular consequence: missense variant.
Genome position (GRCh38, 1-based): chr6:38,786,771, A>G. VCF-style: chr6-38786771-A-G. GRCh37 (hg19) VCF-style: chr6-38754547-A-G.
Other names: c.2402A>G (NM_001206927.1); c.1751A>G, p.Gln584Arg (NM_001371.4); short protein forms Q584R, Q801R.
Identifiers: ClinVar variation 1056149 (VCV001056149.9), dbSNP rs746906348, ClinGen allele CA3788514.
Genomic context (GRCh38, chr6:38,786,771, plus strand): 5'-TGGAAGCAGAAAGGAAATTCAGAATGAGTAATGTCAATCATTATTTATTTGTAGCTTTAC[A>G]AGCCACGCTTTTTGTGCGACATCCAGAAACAGGGAAGTTGCTGGTTAATTTCGATCCCAA-3'
Protein context (NP_001193856.1, residues 791-811): REISQLHYAL[Gln801Arg]ATLFVRHPET